The following is an entry in ClinVar:

ClinVar aggregate classification (germline): Likely benign. Review status: criteria provided, single submitter (1 of 4 stars). 2 submissions from 2 submitters: Likely benign (1). 1 of the submissions does not count toward it. Last evaluated 2024-11-26.

Conditions:
ABCC9-related disorder. Also called: ABCC9-related condition; ABCC9-related disorders.

Submissions (2):

Blueprint Genetics
Classification: Likely benign. Last evaluated: 2024-11-26. Review status: criteria provided, single submitter. Criteria: ACMG Guidelines, 2015. Collection method: clinical testing. Allele origin: germline.

PreventionGenetics, part of Exact Sciences
Classification: Likely benign for ABCC9-related condition. Last evaluated: 2019-10-28. Review status: no assertion criteria provided. Collection method: clinical testing. Allele origin: germline. Not counted in ClinVar's aggregate classification.
Comment: This variant is classified as likely benign based on ACMG/AMP sequence variant interpretation guidelines (Richards et al. 2015 PMID: 25741868, with internal and published modifications).

NM_020297.4(ABCC9):c.4450-6_4450-5dup

Genes: ABCC9 (ATP binding cassette subfamily C member 9; minus strand), KCNJ8-AS1 (KCNJ8 antisense RNA 1; plus strand). Cytogenetic location: 12p12.1.
Variant type: Duplication.
Coding change: c.4450-6_4450-5dup on transcript NM_020297.4 (MANE Select); 6 bases into the intron before coding-DNA position 4450 through 5 bases into the intron before coding-DNA position 4450, 2 bases duplicated (TT; older notation c.4450-6_4450-5dupTT).
Molecular consequence: intron variant.
Genome position (GRCh38, 1-based): chr12:21,806,065-21,806,066, AA duplicated on the plus strand (TT on the coding strand, the reverse complement: ABCC9 is on the minus strand); duplicating any 2 consecutive bases within chr12:21,806,065-21,806,076 gives the same sequence; the c. name uses the placement nearest the transcript's 3' end. VCF-style (leftmost placement, unchanged base first): chr12-21806064-C-CAA. GRCh37 (hg19) VCF-style: chr12-21958998-C-CAA.
Other names: c.3583-6_3583-5dup (NM_001377274.1); c.4450-6_4450-5dup (NM_005691.4, NM_001377273.1).
Identifiers: ClinVar variation 3045945 (VCV003045945.3), dbSNP rs4148680, ClinGen allele CA478869363.